The following is an entry in ClinVar:

ClinVar aggregate classification (germline): Uncertain significance. Review status: criteria provided, multiple submitters, no conflicts (2 of 4 stars). 4 submissions from 4 submitters: Uncertain significance (4). Last evaluated 2026-06-10.

Conditions:
Osteogenesis imperfecta type I (OI1). Also called: Classic Non-deforming Osteogenesis Imperfecta with Blue Sclerae; Lobstein's Disease; OI, TYPE I; OSTEOGENESIS IMPERFECTA TARDA; OSTEOGENESIS IMPERFECTA WITH BLUE SCLERAE; Osteogenesis imperfecta type 1. Identifiers: Orphanet 216796, Orphanet 666, MedGen C0023931, MONDO:0008146, OMIM 166200. Disease mechanism: loss of function.
Ehlers-Danlos syndrome, classic type, 1 (EDSCL1). Also called: Ehlers-Danlos Syndrome, Classic Type, COL5A1-Related; EDS I; Ehlers-Danlos syndrome, type 1; EHLERS-DANLOS SYNDROME, GRAVIS TYPE; EHLERS-DANLOS SYNDROME, SEVERE CLASSIC TYPE. Identifiers: MedGen C0268335, MONDO:0019567, OMIM 130000.
Cardiovascular phenotype. Identifiers: MedGen CN230736.
COL1A2-related disorder. Also called: COL1A2-related condition; COL1A2-Related Disorders.

Allele frequency attached by ClinVar (database versions not stated): gnomAD exomes 0.00001 and 0.00003; ExAC 0.00005; gnomAD 0.00006; ESP Exome Variant Server 0.00008; TOPMed 0.00011; 1000 Genomes Project 0.00020; 1000 Genomes Project 30x 0.00031.
gnomAD v4.1: 31 of 1,614,158 alleles (0.0019%); highest among the groups gnomAD compares: African/African-American, 0.008%; no homozygotes.

Submissions (4):

PreventionGenetics, part of Exact Sciences
Classification: Uncertain significance for COL1A2-related condition. Last evaluated: 2026-06-10. Review status: criteria provided, single submitter. Criteria: ACMG Guidelines, 2015. Collection method: clinical testing. Allele origin: germline.
Comment: The COL1A2 c.2527G>A variant is predicted to result in the amino acid substitution p.Ala843Thr. To our knowledge, this variant has not been reported in the literature. This variant is reported in 0.0080% of alleles in individuals of African descent in gnomAD. At this time, the clinical significance of this variant is uncertain due to the absence of conclusive functional and genetic evidence.

GeneDx
Classification: Uncertain significance. Last evaluated: 2026-02-06. Review status: criteria provided, single submitter. Criteria: GeneDx Variant Classification Process June 2021. Collection method: clinical testing. Allele origin: germline. Affected: yes.
Comment: Has not been previously published as pathogenic or benign to our knowledge; In silico analysis suggests that this missense variant does not alter protein structure/function; Occurs in the triple helical domain at the Y position in the canonical Gly-X-Y repeat; although this variant may have an effect on normal protein folding and function, missense substitution at the Y position is not a common mechanism of disease (HGMD); This variant is associated with the following publications: (PMID: 24077912)

Ambry Genetics
Classification: Uncertain significance for Cardiovascular phenotype. Last evaluated: 2025-10-02. Review status: criteria provided, single submitter. Criteria: Ambry Variant Classification Scheme 2023. Collection method: clinical testing. Allele origin: germline.
Comment: The p.A843T variant (also known as c.2527G>A), located in coding exon 40 of the COL1A2 gene, results from a G to A substitution at nucleotide position 2527. The alanine at codon 843 is replaced by threonine, an amino acid with similar properties. This amino acid position is poorly conserved in available vertebrate species. In addition, this alteration is predicted to be tolerated by in silico analysis. Based on the available evidence, the clinical significance of this variant remains unclear.

Labcorp Genetics (formerly Invitae), Labcorp
Classification: Uncertain significance for Osteogenesis imperfecta type I; Ehlers-Danlos syndrome, classic type, 1. Last evaluated: 2025-08-10. Review status: criteria provided, single submitter. Criteria: Invitae Variant Classification Sherloc (09022015). Collection method: clinical testing. Allele origin: germline.
Comment: This sequence change replaces alanine, which is neutral and non-polar, with threonine, which is neutral and polar, at codon 843 of the COL1A2 protein (p.Ala843Thr). This variant is present in population databases (rs112697991, gnomAD 0.008%). This variant has not been reported in the literature in individuals affected with COL1A2-related conditions. ClinVar contains an entry for this variant (Variation ID: 567564). Invitae Evidence Modeling of protein sequence and biophysical properties (such as structural, functional, and spatial information, amino acid conservation, physicochemical variation, residue mobility, and thermodynamic stability) indicates that this missense variant is not expected to disrupt COL1A2 protein function with a negative predictive value of 95%. In summary, the available evidence is currently insufficient to determine the role of this variant in disease. Therefore, it has been classified as a Variant of Uncertain Significance.

NM_000089.4(COL1A2):c.2527G>A (p.Ala843Thr)

Gene: COL1A2 (collagen type I alpha 2 chain; plus strand). Cytogenetic location: 7q21.3.
Variant type: single nucleotide variant.
Coding change: c.2527G>A on transcript NM_000089.4 (MANE Select); coding-DNA position 2527, G replaced by A.
Protein change: p.Ala843Thr; replaces alanine 843 with threonine.
Molecular consequence: missense variant.
Genome position (GRCh38, 1-based): chr7:94,423,080, G>A. VCF-style: chr7-94423080-G-A. GRCh37 (hg19) VCF-style: chr7-94052392-G-A.
Other names: short protein forms A843T.
Identifiers: ClinVar variation 567564 (VCV000567564.12), dbSNP rs112697991, ClinGen allele CA4347470.
Genomic context (GRCh38, chr7:94,423,080, plus strand): 5'-GGTGACCAAGGTCCAGTTGGCCGAACTGGAGAAGTAGGTGCAGTTGGTCCCCCTGGCTTC[G>A]CTGGTGAGAAGGGTCCCTCTGGAGAGGCTGGTACTGCTGTAAGTGATTTCCAACTCCTCT-3'
Protein context (NP_000080.2, residues 833-853): EVGAVGPPGF[Ala843Thr]GEKGPSGEAG